The following is an entry in ClinVar:

ClinVar aggregate classification (germline): Benign (0 of 4 stars; one submission).

Conditions:
COL15A1-related disorder. Also called: COL15A1-related condition.

Allele frequency attached by ClinVar (database versions not stated): gnomAD exomes 0.23507; ESP Exome Variant Server 0.26334; ExAC 0.28471; TOPMed 0.30278; 1000 Genomes Project 30x 0.38101; 1000 Genomes Project 0.38538.
gnomAD v4.1: 387,741 of 1,612,638 alleles (24%); highest among the groups gnomAD compares: East Asian, 56%; 53,439 homozygotes.

Submission:

PreventionGenetics, part of Exact Sciences
Classification: Benign for COL15A1-related condition. Last evaluated: 2019-10-21. Review status: no assertion criteria provided. Collection method: clinical testing. Allele origin: germline.
Comment: This variant is classified as benign based on ACMG/AMP sequence variant interpretation guidelines (Richards et al. 2015 PMID: 25741868, with internal and published modifications).

NM_001855.5(COL15A1):c.3387C>T (p.Pro1129=)

Gene: COL15A1 (collagen type XV alpha 1 chain; plus strand). Cytogenetic location: 9q22.33.
Variant type: single nucleotide variant.
Coding change: c.3387C>T on transcript NM_001855.5 (MANE Select); coding-DNA position 3387, C replaced by T.
Protein change: p.Pro1129=; no amino-acid change (proline 1129 retained).
Molecular consequence: synonymous variant.
Genome position (GRCh38, 1-based): chr9:99,059,938, C>T. VCF-style: chr9-99059938-C-T. GRCh37 (hg19) VCF-style: chr9-101822220-C-T.
Identifiers: ClinVar variation 3060686 (VCV003060686.2), dbSNP rs4480177, ClinGen allele CA5155849.
Genomic context (GRCh38, chr9:99,059,938, plus strand): 5'-TTTTGTCTTAGCTGTGGCCCTTCCAGGTCCCCCTGGCCCTCCAGGACAGCCAGGGCTTCC[C>T]GGATCCAGAAACCTGGTCAGTATTATCATCAGTGTGTAGTCATCATTCCATTTGGGATAG-3'
Protein context (NP_001846.3, residues 1119-1139): PPGPPGQPGL[Pro1129=]GSRNLVTAFS